The following is an entry in ClinVar:

ClinVar aggregate classification (germline): Uncertain significance. Review status: criteria provided, multiple submitters, no conflicts (2 of 4 stars). 2 submissions from 2 submitters: Uncertain significance (2). Last evaluated 2025-06-03.

Conditions:
Inborn genetic diseases. Identifiers: MedGen C0950123, MeSH D030342.

gnomAD v4.1: 33 of 1,614,062 alleles (0.002%); highest among the groups gnomAD compares: Non-Finnish European, 0.0027%; no homozygotes.

Submissions (2):

Ambry Genetics
Classification: Uncertain significance for Inborn genetic diseases. Last evaluated: 2025-06-03. Review status: criteria provided, single submitter. Criteria: Ambry Variant Classification Scheme 2023. Collection method: clinical testing. Allele origin: germline.

Labcorp Genetics (formerly Invitae), Labcorp
Classification: Uncertain significance. Last evaluated: 2022-08-09. Review status: criteria provided, single submitter. Criteria: Invitae Variant Classification Sherloc (09022015). Collection method: clinical testing. Allele origin: germline.
Comment: ClinVar contains an entry for this variant (Variation ID: 1401906). In summary, the available evidence is currently insufficient to determine the role of this variant in disease. Therefore, it has been classified as a Variant of Uncertain Significance. Algorithms developed to predict the effect of missense changes on protein structure and function are either unavailable or do not agree on the potential impact of this missense change (SIFT: "Not Available"; PolyPhen-2: "Benign"; Align-GVGD: "Not Available"). This variant has not been reported in the literature in individuals affected with ADAMTS18-related conditions. This variant is present in population databases (rs201929461, gnomAD 0.003%). This sequence change replaces valine, which is neutral and non-polar, with phenylalanine, which is neutral and non-polar, at codon 734 of the ADAMTS18 protein (p.Val734Phe).

NM_199355.4(ADAMTS18):c.2200G>T (p.Val734Phe)

Gene: ADAMTS18 (ADAM metallopeptidase with thrombospondin type 1 motif 18; minus strand). Cytogenetic location: 16q23.1.
Variant type: single nucleotide variant.
Coding change: c.2200G>T on transcript NM_199355.4 (MANE Select); coding-DNA position 2200, G replaced by T.
Protein change: p.Val734Phe; replaces valine 734 with phenylalanine.
Molecular consequence: missense variant.
Genome position (GRCh38, 1-based): chr16:77,321,166, C>A on the plus strand (G>T on the coding strand, the complement: ADAMTS18 is on the minus strand). VCF-style: chr16-77321166-C-A. GRCh37 (hg19) VCF-style: chr16-77355063-C-A.
Other names: c.1684G>T, p.Val562Phe (NM_001326358.2); c.2200G>T (NM_199355.2); short protein forms V562F, V734F.
Identifiers: ClinVar variation 1401906 (VCV001401906.8), dbSNP rs201929461, ClinGen allele CA8181000.